The following is an entry in ClinVar:

NM_033026.6(PCLO):c.6825A>C (p.Glu2275Asp)

Gene: PCLO (piccolo presynaptic cytomatrix protein; minus strand). Cytogenetic location: 7q21.11.
Variant type: single nucleotide variant.
Coding change: c.6825A>C on transcript NM_033026.6 (MANE Select); coding-DNA position 6825, A replaced by C.
Protein change: p.Glu2275Asp; replaces glutamic acid 2275 with aspartic acid.
Molecular consequence: missense variant.
Genome position (GRCh38, 1-based): chr7:82,954,128, T>G on the plus strand (A>C on the coding strand, the complement: PCLO is on the minus strand). VCF-style: chr7-82954128-T-G. GRCh37 (hg19) VCF-style: chr7-82583444-T-G.
Other names: c.6825A>C, p.Glu2275Asp (NM_014510.3); short protein forms E2275D.
Identifiers: ClinVar variation 2015536 (VCV002015536.4), dbSNP rs2535700158, ClinGen allele CA367918271.

ClinVar aggregate classification (germline): Uncertain significance (1 of 4 stars; one submission).

Submission:

Labcorp Genetics (formerly Invitae), Labcorp
Classification: Uncertain significance. Last evaluated: 2024-04-08. Review status: criteria provided, single submitter. Criteria: Invitae Variant Classification Sherloc (09022015). Collection method: clinical testing. Allele origin: germline.
Comment: This sequence change replaces glutamic acid, which is acidic and polar, with aspartic acid, which is acidic and polar, at codon 2275 of the PCLO protein (p.Glu2275Asp). This variant is not present in population databases (gnomAD no frequency). This variant has not been reported in the literature in individuals affected with PCLO-related conditions. ClinVar contains an entry for this variant (Variation ID: 2015536). Experimental studies and prediction algorithms are not available or were not evaluated, and the functional significance of this variant is currently unknown. In summary, the available evidence is currently insufficient to determine the role of this variant in disease. Therefore, it has been classified as a Variant of Uncertain Significance.